The following is an entry in ClinVar:

NM_006393.3(NEBL):c.1270G>C (p.Gly424Arg)

Gene: NEBL (nebulette; minus strand). Cytogenetic location: 10p12.31.
Variant type: single nucleotide variant.
Coding change: c.1270G>C on transcript NM_006393.3 (MANE Select); coding-DNA position 1270, G replaced by C.
Protein change: p.Gly424Arg; replaces glycine 424 with arginine.
Molecular consequence: missense variant. On other transcripts: intron variant (9).
Genome position (GRCh38, 1-based): chr10:20,840,807, C>G on the plus strand (G>C on the coding strand, the complement: NEBL is on the minus strand). VCF-style: chr10-20840807-C-G. GRCh37 (hg19) VCF-style: chr10-21129736-C-G.
Other names: c.250-27867G>C (NM_001377326.1, NM_001377327.1, NM_001377328.1); c.358-27867G>C (NM_213569.2, NM_001173484.2, NM_001377322.1); c.301-27867G>C (NM_001377324.1); c.292-27867G>C (NM_001377325.1); c.310-27867G>C (NM_001377323.1); short protein forms G424R.
Identifiers: ClinVar variation 3225551 (VCV003225551.1), dbSNP rs2491889067, ClinGen allele CA376099216.

ClinVar aggregate classification (germline): Uncertain significance (1 of 4 stars; one submission).

Submission:

Ambry Genetics
Classification: Uncertain significance. Last evaluated: 2024-03-01. Review status: criteria provided, single submitter. Criteria: Ambry Variant Classification Scheme 2023. Collection method: clinical testing. Allele origin: germline.
Comment: The p.G424R variant (also known as c.1270G>C), located in coding exon 13 of the NEBL gene, results from a G to C substitution at nucleotide position 1270. The glycine at codon 424 is replaced by arginine, an amino acid with dissimilar properties. This amino acid position is conserved. In addition, the in silico prediction for this alteration is inconclusive. Based on the available evidence, the clinical significance of this alteration remains unclear.